The following is an entry in ClinVar:

NM_004168.4(SDHA):c.892A>G (p.Thr298Ala)

Gene: SDHA (succinate dehydrogenase complex flavoprotein subunit A; plus strand). Cytogenetic location: 5p15.33.
Variant type: single nucleotide variant.
Coding change: c.892A>G on transcript NM_004168.4 (MANE Select); coding-DNA position 892, A replaced by G.
Protein change: p.Thr298Ala; replaces threonine 298 with alanine.
Molecular consequence: missense variant.
Genome position (GRCh38, 1-based): chr5:230,997, A>G. VCF-style: chr5-230997-A-G. GRCh37 (hg19) VCF-style: chr5-231112-A-G.
Other names: c.748A>G, p.Thr250Ala (NM_001294332.2); c.892A>G, p.Thr298Ala (NM_001330758.2); short protein forms T298A, T250A.
Identifiers: ClinVar variation 1765143 (VCV001765143.6), dbSNP rs2126568813, ClinGen allele CA359012096.

ClinVar aggregate classification (germline): Uncertain significance. Review status: criteria provided, multiple submitters, no conflicts (2 of 4 stars). 2 submissions from 2 submitters: Uncertain significance (2). Last evaluated 2026-06-11.

Conditions:
Hereditary cancer-predisposing syndrome. Also called: Hereditary Cancer Syndrome; Hereditary neoplastic syndrome; Neoplastic Syndromes, Hereditary; Tumor predisposition. Identifiers: Orphanet 140162, MedGen C0027672, MeSH D009386, MONDO:0015356.
Mitochondrial complex II deficiency, nuclear type 1. Also called: SUCCINATE CoQ REDUCTASE DEFICIENCY. Identifiers: Orphanet 3208, MedGen C5700310, MONDO:0100294, OMIM 252011.
Pheochromocytoma/paraganglioma syndrome 5. Also called: Paragangliomas 5; SDHA-Related Hereditary Paraganglioma-Pheochromocytoma Syndrome. Identifiers: Orphanet 29072, MedGen C3279992, MONDO:0013602, OMIM 614165.

Submissions (2):

Ambry Genetics
Classification: Uncertain significance for Hereditary cancer-predisposing syndrome. Last evaluated: 2026-06-11. Review status: criteria provided, single submitter. Criteria: Ambry Variant Classification Scheme 2023. Collection method: clinical testing. Allele origin: germline.
Comment: The p.T298A variant (also known as c.892A>G), located in coding exon 7 of the SDHA gene, results from an A to G substitution at nucleotide position 892. The threonine at codon 298 is replaced by alanine, an amino acid with similar properties. This amino acid position is highly conserved in available vertebrate species. In addition, this alteration is predicted to be deleterious by in silico analysis. Based on the available evidence, the clinical significance of this variant remains unclear.

Labcorp Genetics (formerly Invitae), Labcorp
Classification: Uncertain significance for Pheochromocytoma/paraganglioma syndrome 5; Mitochondrial complex II deficiency, nuclear type 1. Last evaluated: 2023-12-27. Review status: criteria provided, single submitter. Criteria: Invitae Variant Classification Sherloc (09022015). Collection method: clinical testing. Allele origin: germline.
Comment: This sequence change replaces threonine, which is neutral and polar, with alanine, which is neutral and non-polar, at codon 298 of the SDHA protein (p.Thr298Ala). This variant is not present in population databases (gnomAD no frequency). This variant has not been reported in the literature in individuals affected with SDHA-related conditions. ClinVar contains an entry for this variant (Variation ID: 1765143). Advanced modeling of protein sequence and biophysical properties (such as structural, functional, and spatial information, amino acid conservation, physicochemical variation, residue mobility, and thermodynamic stability) has been performed at Invitae for this missense variant, however the output from this modeling did not meet the statistical confidence thresholds required to predict the impact of this variant on SDHA protein function. In summary, the available evidence is currently insufficient to determine the role of this variant in disease. Therefore, it has been classified as a Variant of Uncertain Significance.